The following is an entry in ClinVar:

NM_004046.6(ATP5F1A):c.1577T>A (p.Ile526Asn)

Gene: ATP5F1A (ATP synthase F1 subunit alpha; minus strand). Cytogenetic location: 18q21.1.
Variant type: single nucleotide variant.
Coding change: c.1577T>A on transcript NM_004046.6 (MANE Select); coding-DNA position 1577, T replaced by A.
Protein change: p.Ile526Asn; replaces isoleucine 526 with asparagine.
Molecular consequence: missense variant.
Genome position (GRCh38, 1-based): chr18:46,084,507, A>T on the plus strand (T>A on the coding strand, the complement: ATP5F1A is on the minus strand). VCF-style: chr18-46084507-A-T. GRCh37 (hg19) VCF-style: chr18-43664473-A-T.
Other names: c.1427T>A, p.Ile476Asn (NM_001001935.3, NM_001257335.2); c.1577T>A, p.Ile526Asn (NM_001001937.2); c.1511T>A, p.Ile504Asn (NM_001257334.2); short protein forms I476N, I504N, I526N.
Identifiers: ClinVar variation 1723081 (VCV001723081.2), dbSNP rs2512297851, ClinGen allele CA402363360.

ClinVar aggregate classification (germline): Uncertain significance (1 of 4 stars; one submission).

Submission:

GeneDx
Classification: Uncertain significance. Last evaluated: 2022-03-04. Review status: criteria provided, single submitter. Criteria: GeneDx Variant Classification Process June 2021. Collection method: clinical testing. Allele origin: germline. Affected: yes.
Comment: Not observed at significant frequency in large population cohorts (gnomAD); In silico analysis supports that this missense variant has a deleterious effect on protein structure/function; Has not been previously published as pathogenic or benign to our knowledge